The following is an entry in ClinVar:

ClinVar aggregate classification (germline): Pathogenic (1 of 4 stars; one submission).

Submission:

Labcorp Genetics (formerly Invitae), Labcorp
Classification: Pathogenic. Last evaluated: 2023-02-24. Review status: criteria provided, single submitter. Criteria: Invitae Variant Classification Sherloc (09022015). Collection method: clinical testing. Allele origin: germline.
Comment: This variant is not present in population databases (gnomAD no frequency). For these reasons, this variant has been classified as Pathogenic. This variant has not been reported in the literature in individuals affected with FAM161A-related conditions. This sequence change creates a premature translational stop signal (p.Glu253*) in the FAM161A gene. It is expected to result in an absent or disrupted protein product. Loss-of-function variants in FAM161A are known to be pathogenic (PMID: 20705278, 20705279, 24651477).

Literature cited by the submitters: PubMed 20705278; PubMed 20705279; PubMed 24651477.

NM_001201543.2(FAM161A):c.757G>T (p.Glu253Ter)

Gene: FAM161A (FAM161 centrosomal protein A; minus strand). Cytogenetic location: 2p15.
Variant type: single nucleotide variant.
Coding change: c.757G>T on transcript NM_001201543.2 (MANE Select); coding-DNA position 757, G replaced by T.
Protein change: p.Glu253Ter; replaces glutamic acid 253 with a stop codon.
Molecular consequence: nonsense. On other transcripts: non-coding transcript variant (1).
Genome position (GRCh38, 1-based): chr2:61,840,247, C>A on the plus strand (G>T on the coding strand, the complement: FAM161A is on the minus strand). VCF-style: chr2-61840247-C-A. GRCh37 (hg19) VCF-style: chr2-62067382-C-A.
Other names: c.757G>T, p.Glu253Ter (NM_032180.3); short protein forms E253*.
Identifiers: ClinVar variation 2837235 (VCV002837235.3), dbSNP rs1672964817, ClinGen allele CA346988392.